The following is an entry in ClinVar:

ClinVar aggregate classification (germline): Uncertain significance (1 of 4 stars; one submission).

Submission:

GeneDx
Classification: Uncertain significance. Last evaluated: 2025-08-12. Review status: criteria provided, single submitter. Criteria: GeneDx Variant Classification Process June 2021. Collection method: clinical testing. Allele origin: germline. Affected: yes.
Comment: Not observed at significant frequency in large population cohorts (gnomAD); In silico analysis supports that this missense variant has a deleterious effect on protein structure/function; Has not been previously published as pathogenic or benign to our knowledge

NM_006939.4(SOS2):c.2357T>C (p.Leu786Pro)

Gene: SOS2 (SOS Ras/Rho guanine nucleotide exchange factor 2; minus strand). Cytogenetic location: 14q21.3.
Variant type: single nucleotide variant.
Coding change: c.2357T>C on transcript NM_006939.4 (MANE Select); coding-DNA position 2357, T replaced by C.
Protein change: p.Leu786Pro; replaces leucine 786 with proline.
Molecular consequence: missense variant.
Genome position (GRCh38, 1-based): chr14:50,150,035, A>G on the plus strand (T>C on the coding strand, the complement: SOS2 is on the minus strand). VCF-style: chr14-50150035-A-G. GRCh37 (hg19) VCF-style: chr14-50616753-A-G.
Other names: c.2258T>C, p.Leu753Pro (NM_001411020.1); short protein forms L753P, L786P.
Identifiers: ClinVar variation 4795256 (VCV004795256.1).
Genomic context (GRCh38, chr14:50,150,035, plus strand): 5'-AAATAAAGCAAGACATTAACATTAATTGTCTACCTGTAAAGATCAGACTCCAAAAGTGTC[A>G]GCTGACGTGCAATTTCTATTGGATGAAGTGTCATGAGATCAAATGTTTCAAACTGTCCTG-3'
Protein context (NP_008870.2, residues 776-796): TLHPIEIARQ[Leu786Pro]TLLESDLYRK